The following is an entry in ClinVar:

ClinVar aggregate classification (germline): Conflicting classifications of pathogenicity. Review status: criteria provided, conflicting classifications (1 of 4 stars). 2 submissions from 2 submitters: Likely pathogenic (1); Uncertain significance (1). Last evaluated 2025-10-28.

Conditions:
Ullrich congenital muscular dystrophy 2 (UCMD2). Identifiers: Orphanet 75840, MedGen C4225314, MONDO:0014654, OMIM 616470.
Bethlem myopathy 2 (BTHLM2). Identifiers: Orphanet 536516, Orphanet 610, MedGen C4225313, MONDO:0034022, OMIM 616471.

Allele frequency attached by ClinVar (database versions not stated): TOPMed below 0.00001; ExAC 0.00001; gnomAD 0.00001; gnomAD exomes 0.00002 and 0.00001.
gnomAD v4.1: 26 of 1,599,184 alleles (0.0016%); highest among the groups gnomAD compares: Non-Finnish European, 0.0021%; no homozygotes.

Submissions (2):

Labcorp Genetics (formerly Invitae), Labcorp
Classification: Uncertain significance for Bethlem myopathy 2; Ullrich congenital muscular dystrophy 2. Last evaluated: 2025-10-28. Review status: criteria provided, single submitter. Criteria: Invitae Variant Classification Sherloc (09022015). Collection method: clinical testing. Allele origin: germline.
Comment: This sequence change replaces glycine, which is neutral and non-polar, with valine, which is neutral and non-polar, at codon 2918 of the COL12A1 protein (p.Gly2918Val). RNA analysis indicates that this missense change induces altered splicing and likely results in the in-frame skipping of exon 63, but is expected to preserve the integrity of the reading-frame. The frequency data for this variant in the population databases is considered unreliable, as metrics indicate poor data quality at this position in the gnomAD database. This missense change has been observed in individual(s) with clinical features of autosomal dominant COL12A1-related conditions (PMID: 37079061). ClinVar contains an entry for this variant (Variation ID: 1448950). An algorithm developed to predict the effect of missense changes on protein structure and function (PolyPhen-2) suggests that this variant is likely to be disruptive. Studies have shown that this missense change results in the activation of a cryptic splice site in 63 (PMID: 37079061). In summary, the available evidence is currently insufficient to determine the role of this variant in disease. Therefore, it has been classified as a Variant of Uncertain Significance.

GeneDx
Classification: Likely pathogenic. Last evaluated: 2024-03-29. Review status: criteria provided, single submitter. Criteria: GeneDx Variant Classification Process June 2021. Collection method: clinical testing. Allele origin: germline. Affected: yes.
Comment: Identified in a patient with syndromic joint hypermobility in published literature (PMID: 37079061); Not observed at significant frequency in large population cohorts (gnomAD); A published functional study suggests that the c.8753G>T variant results in skipping of exon 63 (PMID: 37079061); In silico analysis supports that this missense variant has a deleterious effect on splicing; In silico analysis supports that this missense variant does not alter protein structure/function; This variant is associated with the following publications: (PMID: 37079061)

Literature cited by the submitters: PubMed 37079061 (cited by Labcorp Genetics (formerly Invitae), Labcorp).

NM_004370.6(COL12A1):c.8753G>T (p.Gly2918Val)

Gene: COL12A1 (collagen type XII alpha 1 chain; minus strand). Cytogenetic location: 6q13.
Variant type: single nucleotide variant.
Coding change: c.8753G>T on transcript NM_004370.6 (MANE Select); coding-DNA position 8753, G replaced by T.
Protein change: p.Gly2918Val; replaces glycine 2918 with valine.
Molecular consequence: missense variant.
Genome position (GRCh38, 1-based): chr6:75,090,298, C>A on the plus strand (G>T on the coding strand, the complement: COL12A1 is on the minus strand). VCF-style: chr6-75090298-C-A. GRCh37 (hg19) VCF-style: chr6-75800014-C-A.
Other names: c.5261G>T, p.Gly1754Val (NM_080645.3); short protein forms G1754V, G2918V.
Identifiers: ClinVar variation 1448950 (VCV001448950.8), dbSNP rs769818518, ClinGen allele CA3892110.
Genomic context (GRCh38, chr6:75,090,298, plus strand): 5'-CGACTGGACTGGTAATCATTTGGAATCTGATTCAGCATCTGATTGAATCTGTTCATCTGA[C>A]CTACAAGCAGAAATAAGGCTTGTTAGTAAGAAACCCAATAAAGGACGGATGAGAGAGTGA-3'
Protein context (NP_004361.3, residues 2908-2928): ARQVCEQLIS[Gly2918Val]QMNRFNQMLN